The following is an entry in ClinVar:

ClinVar aggregate classification (germline): Conflicting classifications of pathogenicity. Review status: criteria provided, conflicting classifications (1 of 4 stars). 2 submissions from 2 submitters: Likely pathogenic (1); Uncertain significance (1). Last evaluated 2023-12-21.

Conditions:
Familial thoracic aortic aneurysm and aortic dissection (TAAD). Also called: Thoracic aortic aneurysms and dissections. Identifiers: Orphanet 91387, MedGen C4707243, MONDO:0019625.

Submissions (2):

Ambry Genetics
Classification: Likely pathogenic for Familial thoracic aortic aneurysm and aortic dissection. Last evaluated: 2023-12-21. Review status: criteria provided, single submitter. Criteria: Ambry Variant Classification Scheme 2023. Collection method: clinical testing. Allele origin: germline.
Comment: The p.G192V variant (also known as c.575G>T) is located in coding exon 4 of the TGFBR1 gene. This variant impacts the first base pair of coding exon 4. The glycine at codon 192 is replaced by valine, an amino acid with dissimilar properties. This alteration has been observed in at least one individual with a personal and family history that is consistent with TGFBR1-related disease, and the variant co-segregated with disease in 1 family tested in our laboratory (Ambry internal data). RNA studies have demonstrated that this alteration results in an incomplete splice defect that is predicted to lead to a protein with an in-frame deletion of 77 amino acids impacting the GS and protein kinase domains (Ambry internal data). In addition, this amino acid position is highly conserved in available vertebrate species, and the missense substitution is predicted to be deleterious by in silico analysis. As such, both aberrantly spliced transcripts with the 77 amino acid deletion and normally spliced transcripts with p.G192V are predicted to be deleterious to protein function. Based on the majority of available evidence to date, this variant is likely to be pathogenic.

Labcorp Genetics (formerly Invitae), Labcorp
Classification: Uncertain significance for Familial thoracic aortic aneurysm and aortic dissection. Last evaluated: 2023-11-22. Review status: criteria provided, single submitter. Criteria: Invitae Variant Classification Sherloc (09022015). Collection method: clinical testing. Allele origin: germline.
Comment: This sequence change replaces glycine, which is neutral and non-polar, with valine, which is neutral and non-polar, at codon 192 of the TGFBR1 protein (p.Gly192Val). This variant is not present in population databases (gnomAD no frequency). This missense change has been observed in individual(s) with clinical features of TGFBR1-related conditions (Invitae). ClinVar contains an entry for this variant (Variation ID: 1749478). An algorithm developed to predict the effect of missense changes on protein structure and function (PolyPhen-2) suggests that this variant is likely to be disruptive. Algorithms developed to predict the effect of sequence changes on RNA splicing suggest that this variant may disrupt the consensus splice site. In summary, the available evidence is currently insufficient to determine the role of this variant in disease. Therefore, it has been classified as a Variant of Uncertain Significance.

NM_004612.4(TGFBR1):c.575G>T (p.Gly192Val)

Gene: TGFBR1 (transforming growth factor beta receptor 1; plus strand). Cytogenetic location: 9q22.33.
Variant type: single nucleotide variant.
Coding change: c.575G>T on transcript NM_004612.4 (MANE Select); coding-DNA position 575, G replaced by T.
Protein change: p.Gly192Val; replaces glycine 192 with valine.
Molecular consequence: missense variant.
Genome position (GRCh38, 1-based): chr9:99,137,859, G>T. VCF-style: chr9-99137859-G-T. GRCh37 (hg19) VCF-style: chr9-101900141-G-T.
Other names: c.344G>T, p.Gly115Val (NM_001130916.3); c.587G>T, p.Gly196Val (NM_001306210.2, NM_001407416.1); c.575G>T, p.Gly192Val (NM_001407417.1); c.380G>T, p.Gly127Val (NM_001407418.1, NM_001407419.1, NM_001407420.1 and 1 more transcripts); c.368G>T, p.Gly123Val (NM_001407423.1, NM_001407424.1, NM_001407425.1 and 8 more transcripts); c.329G>T, p.Gly110Val (NM_001407436.1); c.98G>T, p.Gly33Val (NM_001407438.1); short protein forms G115V, G192V, G110V, G33V, G123V, G127V, G196V.
Identifiers: ClinVar variation 1749478 (VCV001749478.5), dbSNP rs1564161224, ClinGen allele CA374229243.
Genomic context (GRCh38, chr9:99,137,859, plus strand): 5'-TGATGTTTGAAACATGTAATATTGTTGATTGTGTTGAGTACTATTTATTTTTACCTTTAG[G>T]TTTACCATTGCTTGTTCAGAGAACAATTGCGAGAACTATTGTGTTACAAGAAAGCATTGG-3'
Protein context (NP_004603.1, residues 182-202): YDMTTSGSGS[Gly192Val]LPLLVQRTIA